The following is an entry in ClinVar:

ClinVar aggregate classification (germline): Benign. Review status: criteria provided, multiple submitters, no conflicts (2 of 4 stars). 2 submissions from 2 submitters: Benign (2). Last evaluated 2026-01-27.

Conditions:
Immunodeficiency, common variable, 14. Identifiers: Orphanet 696904, MedGen C4540380, MONDO:0054691, OMIM 617765.

Allele frequency attached by ClinVar (database versions not stated): 1000 Genomes Project 30x 0.03014; ExAC 0.00710; ESP Exome Variant Server 0.01445; gnomAD 0.02558; 1000 Genomes Project 0.02696; TOPMed 0.02934.
gnomAD v4.1: 6,999 of 1,472,108 alleles (0.48%); highest among the groups gnomAD compares: African/African-American, 9%; 297 homozygotes.

Submissions (2):

Women's Health and Genetics/Laboratory Corporation of America, LabCorp
Classification: Benign. Last evaluated: 2026-01-27. Review status: criteria provided, single submitter. Criteria: LabCorp Variant Classification Summary - May 2015. Collection method: clinical testing. Allele origin: germline.
Comment: Variant summary: IRF2BP2 c.-4G>C is located in the untranslated mRNA region upstream of the initiation codon. The variant allele was found at a frequency of 0.0027 in 95872 control chromosomes in the gnomAD database, including 12 homozygotes. The observed variant frequency exceeds the estimated maximal expected allele frequency for disease-causing variants in IRF2BP2. To our knowledge, no occurrence of c.-4G>C in individuals affected with IRF2BP2-related conditions and no experimental evidence demonstrating its impact on protein function have been reported. ClinVar contains an entry for this variant (Variation ID: 2920775). Based on the evidence outlined above, the variant was classified as benign.

ARUP Laboratories, Molecular Genetics and Genomics, ARUP Laboratories
Classification: Benign for Immunodeficiency, common variable, 14. Last evaluated: 2023-11-29. Review status: criteria provided, single submitter. Criteria: ARUP Molecular Germline Variant Investigation Process 2024. Collection method: clinical testing. Allele origin: germline.

NM_182972.3(IRF2BP2):c.-4G>C

Gene: IRF2BP2 (interferon regulatory factor 2 binding protein 2; minus strand). Cytogenetic location: 1q42.3.
Variant type: single nucleotide variant.
Coding change: c.-4G>C on transcript NM_182972.3 (MANE Select); 4 bases upstream of the start codon, G replaced by C.
Molecular consequence: 5 prime UTR variant.
Genome position (GRCh38, 1-based): chr1:234,609,498, C>G on the plus strand (G>C on the coding strand, the complement: IRF2BP2 is on the minus strand). VCF-style: chr1-234609498-C-G. GRCh37 (hg19) VCF-style: chr1-234745244-C-G.
Other names: c.-4G>C (NM_001077397.1).
Identifiers: ClinVar variation 2920775 (VCV002920775.2), dbSNP rs138550036, ClinGen allele CA1461924.